The following is an entry in ClinVar:

ClinVar aggregate classification (germline): Pathogenic (1 of 4 stars; one submission).

Allele frequency attached by ClinVar (database versions not stated): gnomAD 0.00001; gnomAD exomes 0.00001.
gnomAD v4.1: 4 of 1,601,396 alleles (0.00025%); highest among the groups gnomAD compares: Non-Finnish European, 0.00026%; no homozygotes.

Submission:

Labcorp Genetics (formerly Invitae), Labcorp
Classification: Pathogenic. Last evaluated: 2023-07-17. Review status: criteria provided, single submitter. Criteria: Invitae Variant Classification Sherloc (09022015). Collection method: clinical testing. Allele origin: germline.
Comment: This sequence change affects a donor splice site in intron 11 of the LAMB3 gene. It is expected to disrupt RNA splicing. Variants that disrupt the donor or acceptor splice site typically lead to a loss of protein function (PMID: 16199547), and loss-of-function variants in LAMB3 are known to be pathogenic (PMID: 11023379, 16473856). The frequency data for this variant in the population databases is considered unreliable, as metrics indicate poor data quality at this position in the gnomAD database. Disruption of this splice site has been observed in individual(s) with junctional epidermolysis bullosa (PMID: 25708563). In at least one individual the data is consistent with being in trans (on the opposite chromosome) from a pathogenic variant. Algorithms developed to predict the effect of sequence changes on RNA splicing suggest that this variant may disrupt the consensus splice site. For these reasons, this variant has been classified as Pathogenic.

Literature cited by the submitters: PubMed 16199547; PubMed 11023379; PubMed 16473856; PubMed 25708563.

NM_000228.3(LAMB3):c.1288+2T>A

Gene: LAMB3 (laminin subunit beta 3; minus strand). Cytogenetic location: 1q32.2.
Variant type: single nucleotide variant.
Coding change: c.1288+2T>A on transcript NM_000228.3 (MANE Select); the canonical splice donor site of the intron after coding-DNA position 1288, T replaced by A.
Molecular consequence: splice donor variant.
Genome position (GRCh38, 1-based): chr1:209,628,033, A>T on the plus strand (T>A on the coding strand, the complement: LAMB3 is on the minus strand). VCF-style: chr1-209628033-A-T. GRCh37 (hg19) VCF-style: chr1-209801378-A-T.
Other names: c.1288+2T>A (NM_001127641.1, NM_001017402.2).
Identifiers: ClinVar variation 2902681 (VCV002902681.3), dbSNP rs1168855294, ClinGen allele CA344591386.